The following is an entry in ClinVar:

ClinVar aggregate classification (germline): Conflicting classifications of pathogenicity. Review status: criteria provided, conflicting classifications (1 of 4 stars). 4 submissions from 4 submitters: Uncertain significance (3); Likely benign (1). Last evaluated 2026-03-18.

Conditions:
TTN-related disorder. Also called: TTN-related condition; TTN-related disease; TTN-related disorders.

Allele frequency attached by ClinVar (database versions not stated): gnomAD exomes 0.00004 and 0.00007; gnomAD 0.00005; TOPMed 0.00005; ExAC 0.00007; 1000 Genomes Project 30x 0.00016; 1000 Genomes Project 0.00020.
gnomAD v4.1: 107 of 1,596,462 alleles (0.0067%); highest among the groups gnomAD compares: Non-Finnish European, 0.0082%; no homozygotes.

Submissions (4):

PreventionGenetics, part of Exact Sciences
Classification: Uncertain significance for TTN-related condition. Last evaluated: 2026-03-18. Review status: criteria provided, single submitter. Criteria: ACMG Guidelines, 2015. Collection method: clinical testing. Allele origin: germline.
Comment: The TTN c.48670T>C variant is predicted to result in the amino acid substitution p.Trp16224Arg. To our knowledge, this variant has not been reported in the literature. This variant is reported in 0.0087% of alleles in individuals of European (Non-Finnish) descent in gnomAD. At this time, the clinical significance of this variant is uncertain due to the absence of conclusive functional and genetic evidence.

Athena Diagnostics
Classification: Uncertain significance. Last evaluated: 2024-08-13. Review status: criteria provided, single submitter. Criteria: Athena Diagnostics Criteria. Collection method: clinical testing. Allele origin: unknown.
Comment: Available data are insufficient to determine the clinical significance of the variant at this time. The frequency of this variant in the general population is uninformative in assessment of its pathogenicity. Polyphen and MutationTaster predict this amino acid change may be damaging to the protein.

Revvity Omics, Revvity
Classification: Uncertain significance. Last evaluated: 2023-08-02. Review status: criteria provided, single submitter. Criteria: ACMG Guidelines, 2015. Collection method: clinical testing. Allele origin: germline.

GeneDx
Classification: Likely benign. Last evaluated: 2018-09-10. Review status: criteria provided, single submitter. Criteria: GeneDx Variant Classification Process June 2021. Collection method: clinical testing. Allele origin: germline. Affected: yes.

NM_001267550.2(TTN):c.48670T>C (p.Trp16224Arg)

Genes: TTN (titin; minus strand), TTN-AS1 (TTN antisense RNA 1; plus strand), LOC126806426 (BRD4-independent group 4 enhancer GRCh37_chr2:179478848-179480047; plus strand). Cytogenetic location: 2q31.2.
Variant type: single nucleotide variant.
Coding change: c.48670T>C on transcript NM_001267550.2 (MANE Select); coding-DNA position 48670, T replaced by C.
Protein change: p.Trp16224Arg; replaces tryptophan 16224 with arginine.
Molecular consequence: missense variant.
Genome position (GRCh38, 1-based): chr2:178,614,937, A>G on the plus strand (T>C on the coding strand, the complement: TTN is on the minus strand). VCF-style: chr2-178614937-A-G. GRCh37 (hg19) VCF-style: chr2-179479664-A-G.
Other names: c.48670T>C (NM_001267550.1); c.43747T>C, p.Trp14583Arg (NM_001256850.1); c.21475T>C, p.Trp7159Arg (NM_003319.4); c.40966T>C, p.Trp13656Arg (NM_133378.4); c.21850T>C, p.Trp7284Arg (NM_133432.3); c.22051T>C, p.Trp7351Arg (NM_133437.4); short protein forms W13656R, W14583R, W16224R, W7159R, W7284R, W7351R.
Identifiers: ClinVar variation 1216640 (VCV001216640.8), dbSNP rs148549746, ClinGen allele CA1994766.